The following is an entry in ClinVar:

ClinVar aggregate classification (germline): Uncertain significance (1 of 4 stars; one submission).

Conditions:
Intellectual developmental disorder, X-linked, syndromic 14. Also called: Syndromic X-linked intellectual disability 14. Identifiers: Orphanet 776, MedGen C1970822, MONDO:0010398, OMIM 300676.

Submission:

Labcorp Genetics (formerly Invitae), Labcorp
Classification: Uncertain significance for Intellectual developmental disorder, X-linked, syndromic 14. Last evaluated: 2023-01-26. Review status: criteria provided, single submitter. Criteria: Invitae Variant Classification Sherloc (09022015). Collection method: clinical testing. Allele origin: germline.
Comment: In summary, the available evidence is currently insufficient to determine the role of this variant in disease. Therefore, it has been classified as a Variant of Uncertain Significance. Experimental studies and prediction algorithms are not available or were not evaluated, and the effect of this variant on mRNA splicing is currently unknown. This variant has not been reported in the literature in individuals affected with UPF3B-related conditions. Information on the frequency of this variant in the gnomAD database is not available, as this variant may be reported differently in the database. This sequence change falls in intron 2 of the UPF3B gene. It does not directly change the encoded amino acid sequence of the UPF3B protein.

NM_080632.3(UPF3B):c.263+19_263+20delinsAA

Gene: UPF3B (UPF3B regulator of nonsense mediated mRNA decay; minus strand). Cytogenetic location: Xq24.
Variant type: Indel.
Coding change: c.263+19_263+20delinsAA on transcript NM_080632.3 (MANE Select); bases 19 to 20 of the intron after coding-DNA position 263, GG replaced by AA.
Molecular consequence: intron variant.
Genome position (GRCh38, 1-based): chrX:119,851,747-119,851,748, CC replaced by TT on the plus strand (GG replaced by AA on the coding strand, the reverse complement: UPF3B is on the minus strand). VCF-style: chrX-119851747-CC-TT. GRCh37 (hg19) VCF-style: chrX-118985710-CC-TT.
Other names: c.263+19_263+20delinsAA (NM_023010.4).
Identifiers: ClinVar variation 3016737 (VCV003016737.3), dbSNP rs2521575497, ClinGen allele CA2740092264.